The following is an entry in ClinVar:

ClinVar aggregate classification (germline): Uncertain significance (1 of 4 stars; one submission).

Conditions:
Hereditary cancer-predisposing syndrome. Also called: Hereditary Cancer Syndrome; Hereditary neoplastic syndrome; Neoplastic Syndromes, Hereditary; Tumor predisposition. Identifiers: Orphanet 140162, MedGen C0027672, MeSH D009386, MONDO:0015356.

Allele frequency attached by ClinVar (database versions not stated): gnomAD exomes below 0.00001; gnomAD 0.00001.
gnomAD v4.1: 2 of 1,604,422 alleles (0.00012%); highest among the groups gnomAD compares: Middle Eastern, 0.016%; no homozygotes.

Submission:

Ambry Genetics
Classification: Uncertain significance for Hereditary cancer-predisposing syndrome. Last evaluated: 2020-11-05. Review status: criteria provided, single submitter. Criteria: Ambry Variant Classification Scheme 2023. Collection method: clinical testing. Allele origin: germline.
Comment: The p.F142I variant (also known as c.424T>A), located in coding exon 3 of the FLCN gene, results from a T to A substitution at nucleotide position 424. The phenylalanine at codon 142 is replaced by isoleucine, an amino acid with highly similar properties. This amino acid position is highly conserved in available vertebrate species. In addition, the in silico prediction for this alteration is inconclusive. Since supporting evidence is limited at this time, the clinical significance of this alteration remains unclear.

NM_144997.7(FLCN):c.424T>A (p.Phe142Ile)

Gene: FLCN (folliculin; minus strand). Cytogenetic location: 17p11.2.
Variant type: single nucleotide variant.
Coding change: c.424T>A on transcript NM_144997.7 (MANE Select); coding-DNA position 424, T replaced by A.
Protein change: p.Phe142Ile; replaces phenylalanine 142 with isoleucine.
Molecular consequence: missense variant.
Genome position (GRCh38, 1-based): chr17:17,224,116, A>T on the plus strand (T>A on the coding strand, the complement: FLCN is on the minus strand). VCF-style: chr17-17224116-A-T. GRCh37 (hg19) VCF-style: chr17-17127430-A-T.
Other names: c.478T>A, p.Phe160Ile (NM_001353229.2); c.424T>A, p.Phe142Ile (NM_001353230.2, NM_001353231.2, NM_144606.7); short protein forms F142I, F160I.
Identifiers: ClinVar variation 1739081 (VCV001739081.2), dbSNP rs2047181001, ClinGen allele CA398534597.